The following is an entry in ClinVar:

ClinVar aggregate classification (germline): Pathogenic (3 of 4 stars; one submission).

Conditions:
Breast-ovarian cancer, familial, susceptibility to, 2 (BROVCA2). Also called: BRCA2 Hereditary Breast and Ovarian Cancer. Identifiers: Orphanet 145, MedGen C2675520, MONDO:0012933, OMIM 612555. Disease mechanism: loss of function.

Submission:

Evidence-based Network for the Interpretation of Germline Mutant Alleles (ENIGMA)
Classification: Pathogenic for Breast-ovarian cancer, familial, susceptibility to, 2. Last evaluated: 2017-12-15. Review status: reviewed by expert panel. Criteria: ENIGMA BRCA1/2 Classification Criteria (2017-06-29). Collection method: curation. Allele origin: germline. Study: ENIGMA.
Comment: Variant allele predicted to encode a truncated non-functional protein.

NM_000059.4(BRCA2):c.4401_4402insA (p.Ser1468fs)

Gene: BRCA2 (BRCA2 DNA repair associated; plus strand). Cytogenetic location: 13q13.1.
Variant type: Insertion.
Coding change: c.4401_4402insA on transcript NM_000059.4 (MANE Select); coding-DNA positions 4401 to 4402, A inserted.
Protein change: p.Ser1468fs; shifts the reading frame from serine 1468.
Molecular consequence: frameshift variant.
Genome position: GRCh38 VCF-style: chr13-32338756-T-TA. GRCh37 (hg19) VCF-style: chr13-32912893-T-TA.
Other names: short protein forms S1468fs.
Identifiers: ClinVar variation 548412 (VCV000548412.1), dbSNP rs1555283766, ClinGen allele CA658823584.
Genomic context (GRCh38, chr13:32,338,756, plus strand): 5'-AAATTTCTTTGATCAGAAACCAGAAGAATTGCATAACTTTTCCTTAAATTCTGAATTACA[T>TA]TCTGACATAAGAAAGAACAAAATGGACATTCTAAGTTATGAGGAAACAGACATAGTTAAA-3'